The following is an entry in ClinVar:

NM_006950.3(SYN1):c.1046T>C (p.Met349Thr)

Gene: SYN1 (synapsin I; minus strand). Cytogenetic location: Xp11.3.
Variant type: single nucleotide variant.
Coding change: c.1046T>C on transcript NM_006950.3 (MANE Select); coding-DNA position 1046, T replaced by C.
Protein change: p.Met349Thr; replaces methionine 349 with threonine.
Molecular consequence: missense variant.
Genome position (GRCh38, 1-based): chrX:47,576,341, A>G on the plus strand (T>C on the coding strand, the complement: SYN1 is on the minus strand). VCF-style: chrX-47576341-A-G. GRCh37 (hg19) VCF-style: chrX-47435740-A-G.
Other names: c.1046T>C, p.Met349Thr (NM_133499.2); short protein forms M349T.
Identifiers: ClinVar variation 839616 (VCV000839616.10), dbSNP rs2057777596, ClinGen allele CA412826634.

ClinVar aggregate classification (germline): Uncertain significance (1 of 4 stars; one submission).

Conditions:
Epilepsy, X-linked 1, with variable learning disabilities and behavior disorders. Also called: X-linked epilepsy-learning disabilities-behavior disorders syndrome. Identifiers: Orphanet 85294, MedGen C5774177, MONDO:0010339, OMIM 300491.

Allele frequency attached by ClinVar (database versions not stated): gnomAD exomes below 0.00001.
gnomAD v4.1: 1 of 1,211,725 alleles (0.000083%); highest among the groups gnomAD compares: South Asian, 0.0018%; no homozygotes.

Submission:

Labcorp Genetics (formerly Invitae), Labcorp
Classification: Uncertain significance for Epilepsy, X-linked 1, with variable learning disabilities and behavior disorders. Last evaluated: 2019-12-08. Review status: criteria provided, single submitter. Criteria: Invitae Variant Classification Sherloc (09022015). Collection method: clinical testing. Allele origin: germline.
Comment: In summary, the available evidence is currently insufficient to determine the role of this variant in disease. Therefore, it has been classified as a Variant of Uncertain Significance. Algorithms developed to predict the effect of missense changes on protein structure and function are either unavailable or do not agree on the potential impact of this missense change (SIFT: "Deleterious"; PolyPhen-2: "Possibly Damaging"; Align-GVGD: "Class C0"). This variant has not been reported in the literature in individuals with SYN1-related conditions. This variant is not present in population databases (ExAC no frequency). This sequence change replaces methionine with threonine at codon 349 of the SYN1 protein (p.Met349Thr). The methionine residue is highly conserved and there is a moderate physicochemical difference between methionine and threonine.